The following is an entry in ClinVar:

ClinVar aggregate classification (germline): Benign/Likely benign. Review status: criteria provided, multiple submitters, no conflicts (2 of 4 stars). 4 submissions from 4 submitters: Benign (1); Likely benign (2). 1 of the submissions does not count toward it. Last evaluated 2026-01-19.

Conditions:
EGFR-related lung cancer (EGFR). Identifiers: MedGen CN130014.
EGFR-related disorder. Also called: EGFR-related condition.
Hereditary cancer-predisposing syndrome. Also called: Hereditary Cancer Syndrome; Hereditary neoplastic syndrome; Neoplastic Syndromes, Hereditary; Tumor predisposition. Identifiers: Orphanet 140162, MedGen C0027672, MeSH D009386, MONDO:0015356.

Allele frequency attached by ClinVar (database versions not stated): gnomAD exomes 0.00006; ExAC 0.00007; 1000 Genomes Project 0.00020; gnomAD 0.00023 and 0.00024; TOPMed 0.00026; 1000 Genomes Project 30x 0.00031; ESP Exome Variant Server 0.00031.
gnomAD v4.1: 62 of 1,613,966 alleles (0.0038%); highest among the groups gnomAD compares: African/African-American, 0.077%; no homozygotes.

Submissions (4):

Labcorp Genetics (formerly Invitae), Labcorp
Classification: Benign for EGFR-related lung cancer. Last evaluated: 2026-01-19. Review status: criteria provided, single submitter. Criteria: Invitae Variant Classification Sherloc (09022015). Collection method: clinical testing. Allele origin: germline.

Ambry Genetics
Classification: Likely benign for Hereditary cancer-predisposing syndrome. Last evaluated: 2024-08-21. Review status: criteria provided, single submitter. Criteria: Ambry Variant Classification Scheme 2023. Collection method: clinical testing. Allele origin: germline.

Sema4
Classification: Likely benign for Hereditary cancer-predisposing syndrome. Last evaluated: 2021-08-10. Review status: criteria provided, single submitter. Criteria: Sema4 Curation Guidelines. Collection method: curation. Allele origin: germline.

PreventionGenetics, part of Exact Sciences
Classification: Likely benign for EGFR-related condition. Last evaluated: 2023-12-04. Review status: no assertion criteria provided. Collection method: clinical testing. Allele origin: germline. Not counted in ClinVar's aggregate classification.
Comment: This variant is classified as likely benign based on ACMG/AMP sequence variant interpretation guidelines (Richards et al. 2015 PMID: 25741868, with internal and published modifications).

NM_005228.5(EGFR):c.633C>T (p.Thr211=)

Gene: EGFR (epidermal growth factor receptor; plus strand). Cytogenetic location: 7p11.2.
Variant type: single nucleotide variant.
Coding change: c.633C>T on transcript NM_005228.5 (MANE Select); coding-DNA position 633, C replaced by T.
Protein change: p.Thr211=; no amino-acid change (threonine 211 retained).
Molecular consequence: synonymous variant. On other transcripts: intron variant (1).
Genome position (GRCh38, 1-based): chr7:55,152,550, C>T. VCF-style: chr7-55152550-C-T. GRCh37 (hg19) VCF-style: chr7-55220243-C-T.
Other names: c.498C>T, p.Thr166= (NM_001346897.2, NM_001346899.2); c.633C>T, p.Thr211= (NM_001346898.2, NM_201282.2, NM_201283.2 and 1 more transcripts); c.474C>T, p.Thr158= (NM_001346900.2); c.89-3280C>T (NM_001346941.2); c.633C>T (NM_005228.4).
Identifiers: ClinVar variation 1169896 (VCV001169896.13), dbSNP rs373970245, ClinGen allele CA4265308.
Genomic context (GRCh38, chr7:55,152,550, plus strand): 5'-GGGAAATGATCCTACCCTCACTCTTCAGCTCACAGGGAACCTTTGCTCTTTTTCAGTGAC[C>T]AAAATCATCTGTGCCCAGCAGTGCTCCGGGCGCTGCCGTGGCAAGTCCCCCAGTGACTGC-3'
Protein context (NP_005219.2, residues 201-221): GAGEENCQKL[Thr211=]KIICAQQCSG